The following is an entry in ClinVar:

ClinVar aggregate classification (germline): Benign. Review status: criteria provided, single submitter (1 of 4 stars). 2 submissions from 2 submitters: Benign (1). 1 of the submissions does not count toward it. Last evaluated 2019-12-31.

Conditions:
PLXNA3-related disorder. Also called: PLXNA3-related condition.

Allele frequency attached by ClinVar (database versions not stated): gnomAD exomes 0.00059 and 0.00162; ExAC 0.00214; 1000 Genomes Project 0.00530; 1000 Genomes Project 30x 0.00604; gnomAD 0.00622 and 0.00688; TOPMed 0.00700; ESP Exome Variant Server 0.00767.

Submissions (2):

Labcorp Genetics (formerly Invitae), Labcorp
Classification: Benign. Last evaluated: 2019-12-31. Review status: criteria provided, single submitter. Criteria: Invitae Variant Classification Sherloc (09022015). Collection method: clinical testing. Allele origin: germline.

PreventionGenetics, part of Exact Sciences
Classification: Benign for PLXNA3-related condition. Last evaluated: 2019-09-19. Review status: no assertion criteria provided. Collection method: clinical testing. Allele origin: germline. Not counted in ClinVar's aggregate classification.
Comment: This variant is classified as benign based on ACMG/AMP sequence variant interpretation guidelines (Richards et al. 2015 PMID: 25741868, with internal and published modifications).

NM_017514.5(PLXNA3):c.2342-8G>A

Gene: PLXNA3 (plexin A3; plus strand). Cytogenetic location: Xq28.
Variant type: single nucleotide variant.
Coding change: c.2342-8G>A on transcript NM_017514.5 (MANE Select); 8 bases into the intron before coding-DNA position 2342, G replaced by A.
Molecular consequence: intron variant.
Genome position (GRCh38, 1-based): chrX:154,465,649, G>A. VCF-style: chrX-154465649-G-A. GRCh37 (hg19) VCF-style: chrX-153693992-G-A.
Identifiers: ClinVar variation 712883 (VCV000712883.6), dbSNP rs5986980, ClinGen allele CA10564364.